The following is an entry in ClinVar:

NM_000046.5(ARSB):c.384_386del (p.Leu129del)

Gene: ARSB (arylsulfatase B; minus strand). Cytogenetic location: 5q14.1.
Variant type: Deletion.
Coding change: c.384_386del on transcript NM_000046.5 (MANE Select); coding-DNA positions 384 to 386, 3 bases deleted (CCT; older notation c.384_386delCCT).
Protein change: p.Leu129del; deletes leucine 129.
Molecular consequence: inframe deletion.
Genome position (GRCh38, 1-based): chr5:78,969,119-78,969,121, AGG deleted on the plus strand (CCT on the coding strand, the reverse complement: ARSB is on the minus strand); deleting any 3 consecutive bases within chr5:78,969,119-78,969,123 gives the same sequence; the c. name uses the placement nearest the transcript's 3' end. VCF-style (leftmost placement, unchanged base first): chr5-78969118-CAGG-C. GRCh37 (hg19) VCF-style: chr5-78264941-CAGG-C.
Other names: c.384_386del, p.Leu129del (NM_198709.3); short protein forms L129del.
Identifiers: ClinVar variation 559776 (VCV000559776.1), dbSNP rs1180227844, ClinGen allele CA658822933.

ClinVar aggregate classification (germline): Uncertain significance (1 of 4 stars; one submission).

Conditions:
Mucopolysaccharidosis type 6 (MPS6). Also called: N-ACETYLGALACTOSAMINE-4-SULFATASE DEFICIENCY; MPS VI; MPS 6; Maroteaux Lamy syndrome; ARSB DEFICIENCY; ARYLSULFATASE B DEFICIENCY. Identifiers: Orphanet 583, MedGen C0026709, MONDO:0009661, OMIM 253200.

Submission:

Laboratory of Diagnosis and Therapy of Lysosomal Disorders, University of Padova
Classification: Uncertain significance for Mucopolysaccharidosis type 6. Last evaluated: 2018-01-01. Review status: criteria provided, single submitter. Criteria: ACMG Guidelines, 2015. Collection method: curation. Allele origin: germline. Affected: yes.
Comment: Protein length changes as a result of in-frame deletion (PM4); Absent from GnomAD (PM2)

Literature cited by the submitters: PubMed 24767253; PubMed 26909334; PubMed 30118150.